The following is an entry in ClinVar:

ClinVar aggregate classification (germline): Conflicting classifications of pathogenicity. Review status: criteria provided, conflicting classifications (1 of 4 stars). 3 submissions from 3 submitters: Uncertain significance (2); Likely benign (1). Last evaluated 2025-07-30.

Conditions:
Cardiovascular phenotype. Identifiers: MedGen CN230736.
Catecholaminergic polymorphic ventricular tachycardia 1. Also called: VENTRICULAR TACHYCARDIA, CATECHOLAMINERGIC POLYMORPHIC, 1, WITH OR WITHOUT ATRIAL DYSFUNCTION AND/OR DILATED CARDIOMYOPATHY; VENTRICULAR TACHYCARDIA, STRESS-INDUCED POLYMORPHIC 1; RYR2-Related Catecholaminergic Polymorphic Ventricular Tachycardia. Identifiers: Orphanet 3286, MedGen C1631597, MONDO:0011484, OMIM 604772.

Allele frequency attached by ClinVar (database versions not stated): gnomAD exomes below 0.00001 and 0.00002; ExAC 0.00003; TOPMed 0.00007; gnomAD 0.00010; 1000 Genomes Project 30x 0.00031; ESP Exome Variant Server 0.00033; 1000 Genomes Project 0.00040.
gnomAD v4.1: 20 of 1,596,746 alleles (0.0013%); highest among the groups gnomAD compares: African/African-American, 0.021%; no homozygotes.

Submissions (3):

Ambry Genetics
Classification: Likely benign for Cardiovascular phenotype. Last evaluated: 2025-07-30. Review status: criteria provided, single submitter. Criteria: Ambry Variant Classification Scheme 2023. Collection method: clinical testing. Allele origin: germline.

GeneDx
Classification: Uncertain significance. Last evaluated: 2024-03-29. Review status: criteria provided, single submitter. Criteria: GeneDx Variant Classification Process June 2021. Collection method: clinical testing. Allele origin: germline. Affected: yes.
Comment: In silico analysis supports that this missense variant has a deleterious effect on protein structure/function; Has not been previously published as pathogenic or benign to our knowledge

Labcorp Genetics (formerly Invitae), Labcorp
Classification: Uncertain significance for Catecholaminergic polymorphic ventricular tachycardia 1. Last evaluated: 2022-05-31. Review status: criteria provided, single submitter. Criteria: Invitae Variant Classification Sherloc (09022015). Collection method: clinical testing. Allele origin: germline.
Comment: This sequence change replaces asparagine, which is neutral and polar, with serine, which is neutral and polar, at codon 698 of the TRDN protein (p.Asn698Ser). This variant is present in population databases (rs377368177, gnomAD 0.02%). This variant has not been reported in the literature in individuals affected with TRDN-related conditions. ClinVar contains an entry for this variant (Variation ID: 453105). Algorithms developed to predict the effect of missense changes on protein structure and function are either unavailable or do not agree on the potential impact of this missense change (SIFT: "Deleterious"; PolyPhen-2: "Benign"; Align-GVGD: "Class C0"). Algorithms developed to predict the effect of sequence changes on RNA splicing suggest that this variant may create or strengthen a splice site. In summary, the available evidence is currently insufficient to determine the role of this variant in disease. Therefore, it has been classified as a Variant of Uncertain Significance.

NM_006073.4(TRDN):c.2093A>G (p.Asn698Ser)

Gene: TRDN (triadin; minus strand). Cytogenetic location: 6q22.31.
Variant type: single nucleotide variant.
Coding change: c.2093A>G on transcript NM_006073.4 (MANE Select); coding-DNA position 2093, A replaced by G.
Protein change: p.Asn698Ser; replaces asparagine 698 with serine.
Molecular consequence: missense variant.
Genome position (GRCh38, 1-based): chr6:123,218,698, T>C on the plus strand (A>G on the coding strand, the complement: TRDN is on the minus strand). VCF-style: chr6-123218698-T-C. GRCh37 (hg19) VCF-style: chr6-123539843-T-C.
Other names: short protein forms N698S.
Identifiers: ClinVar variation 453105 (VCV000453105.12), dbSNP rs377368177, ClinGen allele CA3983597.